The following is an entry in ClinVar:

NM_000474.4(TWIST1):c.313G>T (p.Glu105Ter)

Gene: TWIST1 (twist family bHLH transcription factor 1; minus strand). Cytogenetic location: 7p21.1.
Variant type: single nucleotide variant.
Coding change: c.313G>T on transcript NM_000474.4 (MANE Select); coding-DNA position 313, G replaced by T.
Protein change: p.Glu105Ter; replaces glutamic acid 105 with a stop codon.
Molecular consequence: nonsense. On other transcripts: non-coding transcript variant (1).
Genome position (GRCh38, 1-based): chr7:19,117,009, C>A on the plus strand (G>T on the coding strand, the complement: TWIST1 is on the minus strand). VCF-style: chr7-19117009-C-A. GRCh37 (hg19) VCF-style: chr7-19156632-C-A.
Other names: short protein forms E105*.
Identifiers: ClinVar variation 5031541 (VCV005031541.1).

ClinVar aggregate classification (germline): Pathogenic (1 of 4 stars; one submission).

Conditions:
Inborn genetic diseases. Identifiers: MedGen C0950123, MeSH D030342.

gnomAD v4.1: 1 of 1,587,418 alleles (0.000063%); highest among the groups gnomAD compares: Non-Finnish European, 0.000085%; no homozygotes.

Submission:

Ambry Genetics
Classification: Pathogenic for Inborn genetic diseases. Last evaluated: 2026-07-17. Review status: criteria provided, single submitter. Criteria: Ambry Variant Classification Scheme 2023. Collection method: clinical testing. Allele origin: germline.
Comment: The c.313G>T (p.E105*) alteration, located in exon 1 (coding exon 1) of the TWIST1 gene, consists of a G to T substitution at nucleotide position 313. This changes the amino acid from a glutamic acid (E) to a stop codon at amino acid position 105. This variant is not expected to trigger nonsense-mediated mRNA decay, and impacts the last 49% of the protein. However, premature stop codons are typically deleterious in nature, the impacted region is critical for protein function, and a significant portion of the protein is affected (Ambry internal data). This variant was not reported in population-based cohorts in the Genome Aggregation Database (gnomAD). Based on the available evidence, this alteration is classified as pathogenic.